The following is an entry in ClinVar:

ClinVar aggregate classification (germline): Benign. Review status: criteria provided, multiple submitters, no conflicts (2 of 4 stars). 3 submissions from 3 submitters: Benign (3). Last evaluated 2018-11-12.

Allele frequency attached by ClinVar (database versions not stated): gnomAD exomes 0.50353 and 0.53091; ExAC 0.51467; gnomAD 0.51861 and 0.52030; TOPMed 0.52173; 1000 Genomes Project 30x 0.53716.

Submissions (3):

GeneDx
Classification: Benign. Last evaluated: 2018-11-12. Review status: criteria provided, single submitter. Criteria: GeneDx Variant Classification Process June 2021. Collection method: clinical testing. Allele origin: germline. Affected: yes.

Laboratory for Molecular Medicine, Mass General Brigham Personalized Medicine
Classification: Benign. Last evaluated: 2016-03-28. Review status: criteria provided, single submitter. Criteria: LMM Criteria. Collection method: clinical testing. Allele origin: germline.
Comment: Variant identified in a genome or exome case(s) and assessed due to predicted null impact of the variant or pathogenic assertions in the literature or databases. Disclaimer: This variant has not undergone full assessment. The following are preliminary notes: Frequency

Breakthrough Genomics
Classification: Benign. Review status: criteria provided, single submitter. Criteria: ACMG Guidelines, 2015. Collection method: not provided. Allele origin: germline. Inheritance: Autosomal dominant inheritance. Affected: yes.

NM_002458.3(MUC5B):c.9807T>C (p.Ser3269=)

Genes: MUC5B (mucin 5B, oligomeric mucus/gel-forming; plus strand), MUC5B-AS1 (MUC5B antisense RNA 1; minus strand). Cytogenetic location: 11p15.5.
Variant type: single nucleotide variant.
Coding change: c.9807T>C on transcript NM_002458.3 (MANE Select); coding-DNA position 9807, T replaced by C.
Protein change: p.Ser3269=; no amino-acid change (serine 3269 retained).
Molecular consequence: synonymous variant.
Genome position (GRCh38, 1-based): chr11:1,246,687, T>C. VCF-style: chr11-1246687-T-C. GRCh37 (hg19) VCF-style: chr11-1267917-T-C.
Identifiers: ClinVar variation 403158 (VCV000403158.7), dbSNP rs3021163, ClinGen allele CA5807141.
Genomic context (GRCh38, chr11:1,246,687, plus strand): 5'-GACCCGCCTATCACAGACCACCACACCCACGGCCACCATGTCCACAGCCACACCCTCCTC[T>C]ACTCCAGAGACTGTCCACACCTCCACAGTGCTTACCACCACGACCACCACAACCAGGGCC-3'
Protein context (NP_002449.2, residues 3259-3279): TATMSTATPS[Ser3269=]TPETVHTSTV